The following is an entry in ClinVar:

NM_005751.5(AKAP9):c.10231A>C (p.Lys3411Gln)

Gene: AKAP9 (A-kinase anchoring protein 9; plus strand). Cytogenetic location: 7q21.2.
Variant type: single nucleotide variant.
Coding change: c.10231A>C on transcript NM_005751.5 (MANE Select); coding-DNA position 10231, A replaced by C.
Protein change: p.Lys3411Gln; replaces lysine 3411 with glutamine.
Molecular consequence: missense variant.
Genome position (GRCh38, 1-based): chr7:92,097,190, A>C. VCF-style: chr7-92097190-A-C. GRCh37 (hg19) VCF-style: chr7-91726504-A-C.
Other names: c.4876A>C, p.Lys1626Gln (NM_001379277.1); c.10207A>C, p.Lys3403Gln (NM_147185.3); short protein forms K3411Q, K1626Q, K3403Q.
Identifiers: ClinVar variation 1765010 (VCV001765010.2), dbSNP rs1375511184, ClinGen allele CA368154410.
Genomic context (GRCh38, chr7:92,097,190, plus strand): 5'-CTGCAGACAGAACAGGAGGCCAACACTGAGGGACAGAAAAAAATGCATGAGCTCCAGTCC[A>C]AAGTGGAAGATCTTCAGCGCCAGCTGGAAGAGAAAAGACAACAAGTTTATAAGTTAGACC-3'
Protein context (NP_005742.4, residues 3401-3421): GQKKMHELQS[Lys3411Gln]VEDLQRQLEE

ClinVar aggregate classification (germline): Uncertain significance (1 of 4 stars; one submission).

Conditions:
Cardiovascular phenotype. Identifiers: MedGen CN230736.

Allele frequency attached by ClinVar (database versions not stated): gnomAD 0.00001.
gnomAD v4.1: 5 of 1,613,282 alleles (0.00031%); highest among the groups gnomAD compares: East Asian, 0.0067%; no homozygotes.

Submission:

Ambry Genetics
Classification: Uncertain significance for Cardiovascular phenotype. Last evaluated: 2021-06-23. Review status: criteria provided, single submitter. Criteria: Ambry Variant Classification Scheme 2023. Collection method: clinical testing. Allele origin: germline.
Comment: The p.K3411Q variant (also known as c.10231A>C), located in coding exon 41 of the AKAP9 gene, results from an A to C substitution at nucleotide position 10231. The lysine at codon 3411 is replaced by glutamine, an amino acid with similar properties. This amino acid position is conserved. In addition, this alteration is predicted to be tolerated by in silico analysis. Since supporting evidence is limited at this time, the clinical significance of this alteration remains unclear.